The following is an entry in ClinVar:

NM_001136035.4(TRMT1):c.672G>C (p.Ser224=)

Gene: TRMT1 (tRNA methyltransferase 1; minus strand). Cytogenetic location: 19p13.13.
Variant type: single nucleotide variant.
Coding change: c.672G>C on transcript NM_001136035.4 (MANE Select); coding-DNA position 672, G replaced by C.
Protein change: p.Ser224=; no amino-acid change (serine 224 retained).
Molecular consequence: synonymous variant. On other transcripts: 5 prime UTR variant (1).
Genome position (GRCh38, 1-based): chr19:13,112,981, C>G on the plus strand (G>C on the coding strand, the complement: TRMT1 is on the minus strand). VCF-style: chr19-13112981-C-G. GRCh37 (hg19) VCF-style: chr19-13223795-C-G.
Other names: c.672G>C, p.Ser224= (NM_001142554.3, NM_001351760.2, NM_017722.5); c.564G>C, p.Ser188= (NM_001351761.2); c.-99G>C (NM_001351762.2).
Identifiers: ClinVar variation 4872211 (VCV004872211.2).

ClinVar aggregate classification (germline): Likely benign (1 of 4 stars; one submission).

Submission:

CeGaT Center for Human Genetics Tuebingen
Classification: Likely benign. Last evaluated: 2026-05-01. Review status: criteria provided, single submitter. Criteria: CeGaT Center For Human Genetics Tuebingen Variant Classification Criteria Version 2. Collection method: clinical testing. Allele origin: germline. Affected: yes. Observed: 1 variant allele.
Comment: TRMT1: BP4, BP7